The following is an entry in ClinVar:

NM_000435.3(NOTCH3):c.2657G>A (p.Arg886His)

Gene: NOTCH3 (notch receptor 3; minus strand). Cytogenetic location: 19p13.12.
Variant type: single nucleotide variant.
Coding change: c.2657G>A on transcript NM_000435.3 (MANE Select); coding-DNA position 2657, G replaced by A.
Protein change: p.Arg886His; replaces arginine 886 with histidine.
Molecular consequence: missense variant.
Genome position (GRCh38, 1-based): chr19:15,181,711, C>T on the plus strand (G>A on the coding strand, the complement: NOTCH3 is on the minus strand). VCF-style: chr19-15181711-C-T. GRCh37 (hg19) VCF-style: chr19-15292522-C-T.
Other names: short protein forms R886H.
Identifiers: ClinVar variation 447814 (VCV000447814.3), dbSNP rs1275201697, ClinGen allele CA404517389.

ClinVar aggregate classification (germline): Uncertain significance. Review status: criteria provided, multiple submitters, no conflicts (2 of 4 stars). 2 submissions from 2 submitters: Uncertain significance (2). Last evaluated 2024-07-08.

Allele frequency attached by ClinVar (database versions not stated): 1000 Genomes Project 30x 0.00016.

Submissions (2):

Labcorp Genetics (formerly Invitae), Labcorp
Classification: Uncertain significance. Last evaluated: 2024-07-08. Review status: criteria provided, single submitter. Criteria: Invitae Variant Classification Sherloc (09022015). Collection method: clinical testing. Allele origin: germline.
Comment: This sequence change replaces arginine, which is basic and polar, with histidine, which is basic and polar, at codon 886 of the NOTCH3 protein (p.Arg886His). The frequency data for this variant in the population databases is considered unreliable, as metrics indicate poor data quality at this position in the gnomAD database. This variant has not been reported in the literature in individuals affected with NOTCH3-related conditions. ClinVar contains an entry for this variant (Variation ID: 447814). Advanced modeling of protein sequence and biophysical properties (such as structural, functional, and spatial information, amino acid conservation, physicochemical variation, residue mobility, and thermodynamic stability) performed at Invitae indicates that this missense variant is not expected to disrupt NOTCH3 protein function with a negative predictive value of 95%. In summary, the available evidence is currently insufficient to determine the role of this variant in disease. Therefore, it has been classified as a Variant of Uncertain Significance.

Athena Diagnostics
Classification: Uncertain significance. Last evaluated: 2016-10-13. Review status: criteria provided, single submitter. Criteria: Athena Diagnostics Criteria. Collection method: clinical testing. Allele origin: germline.